The following is an entry in ClinVar:

NM_004268.5(MED17):c.835C>T (p.Arg279Ter)

Gene: MED17 (mediator complex subunit 17; plus strand). Cytogenetic location: 11q21.
Variant type: single nucleotide variant.
Coding change: c.835C>T on transcript NM_004268.5 (MANE Select); coding-DNA position 835, C replaced by T.
Protein change: p.Arg279Ter; replaces arginine 279 with a stop codon.
Molecular consequence: nonsense.
Genome position (GRCh38, 1-based): chr11:93,794,011, C>T. VCF-style: chr11-93794011-C-T. GRCh37 (hg19) VCF-style: chr11-93527177-C-T.
Other names: c.835C>T (NM_004268.4); short protein forms R279*.
Identifiers: ClinVar variation 1448163 (VCV001448163.7), dbSNP rs1441655868, ClinGen allele CA382356442.

ClinVar aggregate classification (germline): Pathogenic/Likely pathogenic. Review status: criteria provided, multiple submitters, no conflicts (2 of 4 stars). 2 submissions from 2 submitters: Pathogenic (1); Likely pathogenic (1). Last evaluated 2025-06-27.

Conditions:
Infantile cerebral and cerebellar atrophy with postnatal progressive microcephaly (MSBA). Identifiers: Orphanet 402364, MedGen C3150921, MONDO:0013351, OMIM 613668.

Allele frequency attached by ClinVar (database versions not stated): gnomAD 0.00002; TOPMed 0.00002.
gnomAD v4.1: 9 of 1,613,728 alleles (0.00056%); highest among the groups gnomAD compares: African/African-American, 0.004%; no homozygotes.

Submissions (2):

Natera, Inc.
Classification: Likely pathogenic for Postnatal progressive microcephaly with seizures and brain atrophy. Last evaluated: 2025-06-27. Review status: criteria provided, single submitter. Criteria: Natera Variant Classification Schema (03/2026). Collection method: clinical testing. Allele origin: germline.
Comment: The c.835C>T variant in MED17 is a nonsense variant predicted to introduce a stop codon at amino acid 279. This variant is expected to result in nonsense mediated decay, truncation, or a dysfunctional protein product. This variant is rare in the general population with a frequency below the threshold expected for the associated phenotype(s). Given the available evidence, this variant is classified as Likely Pathogenic.

Labcorp Genetics (formerly Invitae), Labcorp
Classification: Pathogenic. Last evaluated: 2024-01-16. Review status: criteria provided, single submitter. Criteria: Invitae Variant Classification Sherloc (09022015). Collection method: clinical testing. Allele origin: germline.
Comment: This sequence change creates a premature translational stop signal (p.Arg279*) in the MED17 gene. It is expected to result in an absent or disrupted protein product. Loss-of-function variants in MED17 are known to be pathogenic (PMID: 20950787, 26004231, 30345598). This variant is present in population databases (no rsID available, gnomAD 0.01%). This variant has not been reported in the literature in individuals affected with MED17-related conditions. ClinVar contains an entry for this variant (Variation ID: 1448163). For these reasons, this variant has been classified as Pathogenic.

Literature cited by the submitters: PubMed 20950787 (cited by Labcorp Genetics (formerly Invitae), Labcorp); PubMed 26004231 (cited by Labcorp Genetics (formerly Invitae), Labcorp); PubMed 30345598 (cited by Labcorp Genetics (formerly Invitae), Labcorp).